The following is an entry in ClinVar:

NM_006432.5(NPC2):c.91del (p.Asp31fs)

Gene: NPC2 (NPC intracellular cholesterol transporter 2; minus strand). Cytogenetic location: 14q24.3.
Variant type: Deletion.
Coding change: c.91del on transcript NM_006432.5 (MANE Select); coding-DNA position 91, one base deleted (G; older notation c.91delG).
Protein change: p.Asp31fs; shifts the reading frame from aspartic acid 31.
Molecular consequence: frameshift variant.
Genome position (GRCh38, 1-based): chr14:74,486,428, C deleted on the plus strand (G on the coding strand, the reverse complement: NPC2 is on the minus strand); the first of 2 consecutive C bases (chr14:74,486,428-74,486,429); deleting either gives the same sequence. VCF-style (leftmost placement, unchanged base first): chr14-74486427-TC-T. GRCh37 (hg19) VCF-style: chr14-74953130-TC-T.
Other names: c.91del, p.Asp31fs (NM_001363688.1, NM_001375440.1); short protein forms D31fs.
Identifiers: ClinVar variation 1726946 (VCV001726946.2), dbSNP rs2506107370, ClinGen allele CA2580088734.

ClinVar aggregate classification (germline): Likely pathogenic (1 of 4 stars; one submission).

Conditions:
Niemann-Pick disease, type C2 (NPC2). Identifiers: Orphanet 646, MedGen C1843366, MONDO:0011873, OMIM 607625.

Submission:

Myriad Genetics, Inc.
Classification: Likely pathogenic for Niemann-Pick disease, type C2. Last evaluated: 2022-01-02. Review status: criteria provided, single submitter. Criteria: Myriad Women's Health Autosomal Recessive and X-Linked Classification Criteria (2021). Collection method: clinical testing. Allele origin: unknown.
Comment: NM_006432.3(NPC2):c.91delG(D31Mfs*4) is expected to be pathogenic in the context of Niemann-Pick disease type C2. This variant is predicted to lead to an abnormal or absent protein product due to the creation of a premature termination codon in NPC2, a gene where loss-of-function variants are known to be pathogenic. Please note: this variant was assessed in the context of healthy population screening.